The following is an entry in ClinVar:

ClinVar aggregate classification (germline): Uncertain significance. Review status: criteria provided, multiple submitters, no conflicts (2 of 4 stars). 3 submissions from 3 submitters: Uncertain significance (3). Last evaluated 2025-11-12.

Conditions:
Combined oxidative phosphorylation deficiency 44. Also called: FASTKD2-Related Combined Oxidative Phosphorylation Deficiency. Identifiers: MedGen C5394293, MONDO:0030020, OMIM 618855.
Inborn genetic diseases. Identifiers: MedGen C0950123, MeSH D030342.

Submissions (3):

Ambry Genetics
Classification: Uncertain significance for Inborn genetic diseases. Last evaluated: 2025-11-12. Review status: criteria provided, single submitter. Criteria: Ambry Variant Classification Scheme 2023. Collection method: clinical testing. Allele origin: germline.

GeneDx
Classification: Uncertain significance. Last evaluated: 2025-07-14. Review status: criteria provided, single submitter. Criteria: GeneDx Variant Classification Process June 2021. Collection method: clinical testing. Allele origin: germline. Affected: yes.
Comment: Not observed at significant frequency in large population cohorts (gnomAD); In silico analysis suggests that this missense variant does not alter protein structure/function; Has not been previously published as pathogenic or benign to our knowledge

Fulgent Genetics
Classification: Uncertain significance for Combined oxidative phosphorylation deficiency 44. Last evaluated: 2024-03-22. Review status: criteria provided, single submitter. Criteria: ACMG Guidelines, 2015. Collection method: clinical testing. Allele origin: germline.

NM_001136193.2(FASTKD2):c.578A>G (p.Lys193Arg)

Gene: FASTKD2 (FAST kinase domains 2; plus strand). Cytogenetic location: 2q33.3.
Variant type: single nucleotide variant.
Coding change: c.578A>G on transcript NM_001136193.2 (MANE Select); coding-DNA position 578, A replaced by G.
Protein change: p.Lys193Arg; replaces lysine 193 with arginine.
Molecular consequence: missense variant.
Genome position (GRCh38, 1-based): chr2:206,767,271, A>G. VCF-style: chr2-206767271-A-G. GRCh37 (hg19) VCF-style: chr2-207631995-A-G.
Other names: c.578A>G, p.Lys193Arg (NM_001136194.2, NM_014929.4); c.578A>G (NM_014929.3); short protein forms K193R.
Identifiers: ClinVar variation 3585328 (VCV003585328.3).